The following is an entry in ClinVar:

NM_002292.4(LAMB2):c.149C>T (p.Ala50Val)

Gene: LAMB2 (laminin subunit beta 2; minus strand). Cytogenetic location: 3p21.31.
Variant type: single nucleotide variant.
Coding change: c.149C>T on transcript NM_002292.4 (MANE Select); coding-DNA position 149, C replaced by T.
Protein change: p.Ala50Val; replaces alanine 50 with valine.
Molecular consequence: missense variant.
Genome position (GRCh38, 1-based): chr3:49,132,591, G>A on the plus strand (C>T on the coding strand, the complement: LAMB2 is on the minus strand). VCF-style: chr3-49132591-G-A. GRCh37 (hg19) VCF-style: chr3-49170024-G-A.
Other names: short protein forms A50V.
Identifiers: ClinVar variation 575851 (VCV000575851.7), dbSNP rs758825199, ClinGen allele CA2395027.

ClinVar aggregate classification (germline): Uncertain significance. Review status: criteria provided, multiple submitters, no conflicts (2 of 4 stars). 2 submissions from 2 submitters: Uncertain significance (2). Last evaluated 2022-03-03.

Conditions:
Pierson syndrome. Also called: MICROCORIA-CONGENITAL NEPHROTIC SYNDROME. Identifiers: Orphanet 2670, MedGen C1836876, MONDO:0012184, OMIM 609049.
LAMB2-related infantile-onset nephrotic syndrome. Also called: Nephrotic Syndrome, type 5; NEPHROTIC SYNDROME, TYPE 5, WITHOUT OCULAR ABNORMALITIES; NEPHROTIC SYNDROME, TYPE 5, WITH OCULAR ABNORMALITIES. Identifiers: Orphanet 306507, MedGen C3280113, MONDO:0013621, OMIM 614199.

Allele frequency attached by ClinVar (database versions not stated): gnomAD 0.00001; TOPMed 0.00001; ExAC 0.00002; gnomAD exomes 0.00003.

Submissions (2):

Fulgent Genetics
Classification: Uncertain significance for Pierson syndrome; LAMB2-related infantile-onset nephrotic syndrome. Last evaluated: 2022-03-03. Review status: criteria provided, single submitter. Criteria: ACMG Guidelines, 2015. Collection method: clinical testing. Allele origin: unknown.

Labcorp Genetics (formerly Invitae), Labcorp
Classification: Uncertain significance for LAMB2-related infantile-onset nephrotic syndrome; Pierson syndrome. Last evaluated: 2020-02-12. Review status: criteria provided, single submitter. Criteria: Invitae Variant Classification Sherloc (09022015). Collection method: clinical testing. Allele origin: germline.
Comment: In summary, the available evidence is currently insufficient to determine the role of this variant in disease. Therefore, it has been classified as a Variant of Uncertain Significance. Algorithms developed to predict the effect of missense changes on protein structure and function do not agree on the potential impact of this missense change (SIFT: "Deleterious"; PolyPhen-2: "Possibly Damaging"; Align-GVGD: "Class C0"). This variant has not been reported in the literature in individuals with LAMB2-related disease. This variant is present in population databases (rs758825199, ExAC 0.005%). This sequence change replaces alanine with valine at codon 50 of the LAMB2 protein (p.Ala50Val). The alanine residue is highly conserved and there is a small physicochemical difference between alanine and valine.